The following is an entry in ClinVar:

ClinVar aggregate classification (germline): Uncertain significance (1 of 4 stars; one submission).

Conditions:
Familial thoracic aortic aneurysm and aortic dissection (TAAD). Also called: Thoracic aortic aneurysms and dissections. Identifiers: Orphanet 91387, MedGen C4707243, MONDO:0019625.

gnomAD v4.1: 3 of 1,613,976 alleles (0.00019%); highest among the groups gnomAD compares: African/African-American, 0.004%; no homozygotes.

Submission:

Color Diagnostics, LLC DBA Color Health
Classification: Uncertain significance for Familial thoracic aortic aneurysm and aortic dissection. Last evaluated: 2025-06-29. Review status: criteria provided, single submitter. Criteria: ACMG Guidelines, 2015. Collection method: clinical testing. Allele origin: germline.
Comment: This missense variant replaces threonine with arginine at codon 208 of the MYH11 protein. Computational prediction suggests that this variant may not impact protein structure and function. To our knowledge, functional studies have not been reported for this variant. This variant has not been reported in individuals affected with MYH11-related disorders in the literature. This variant has been identified in 1/31386 chromosomes in the general population by the Genome Aggregation Database (gnomAD). The available evidence is insufficient to determine the role of this variant in disease conclusively. Therefore, this variant is classified as a Variant of Uncertain Significance.

NM_002474.3(MYH11):c.623C>G (p.Thr208Arg)

Gene: MYH11 (myosin heavy chain 11; minus strand). Cytogenetic location: 16p13.11.
Variant type: single nucleotide variant.
Coding change: c.623C>G on transcript NM_002474.3 (MANE Select); coding-DNA position 623, C replaced by G.
Protein change: p.Thr208Arg; replaces threonine 208 with arginine.
Molecular consequence: missense variant.
Genome position (GRCh38, 1-based): chr16:15,786,640, G>C on the plus strand (C>G on the coding strand, the complement: MYH11 is on the minus strand). VCF-style: chr16-15786640-G-C. GRCh37 (hg19) VCF-style: chr16-15880497-G-C.
Other names: c.623C>G, p.Thr208Arg (NM_001040113.2, NM_001040114.2, NM_022844.3); short protein forms T208R.
Identifiers: ClinVar variation 4756978 (VCV004756978.1).